The following is an entry in ClinVar:

NM_003072.5(SMARCA4):c.1596T>C (p.Ala532=)

Gene: SMARCA4 (SWI/SNF related BAF chromatin remodeling complex subunit ATPase 4; plus strand). Cytogenetic location: 19p13.2.
Variant type: single nucleotide variant.
Coding change: c.1596T>C on transcript NM_003072.5 (MANE Select); coding-DNA position 1596, T replaced by C.
Protein change: p.Ala532=; no amino-acid change (alanine 532 retained).
Molecular consequence: synonymous variant. On other transcripts: non-coding transcript variant (1).
Genome position (GRCh38, 1-based): chr19:10,996,215, T>C. VCF-style: chr19-10996215-T-C. GRCh37 (hg19) VCF-style: chr19-11106891-T-C.
Other names: c.1596T>C, p.Ala532= (NM_001128844.3, NM_001128845.2, NM_001128846.2 and 5 more transcripts).
Identifiers: ClinVar variation 415144 (VCV000415144.18), dbSNP rs939033260, ClinGen allele CA16616136.

ClinVar aggregate classification (germline): Benign/Likely benign. Review status: criteria provided, multiple submitters, no conflicts (2 of 4 stars). 4 submissions from 4 submitters: Benign (1); Likely benign (3). Last evaluated 2026-07-10.

Conditions:
Rhabdoid tumor predisposition syndrome 2 (RTPS2). Identifiers: Orphanet 231108, Orphanet 69077, MedGen C2750074, MONDO:0013224, OMIM 613325.
Hereditary cancer-predisposing syndrome. Also called: Hereditary Cancer Syndrome; Hereditary neoplastic syndrome; Neoplastic Syndromes, Hereditary; Tumor predisposition. Identifiers: Orphanet 140162, MedGen C0027672, MeSH D009386, MONDO:0015356.

Allele frequency attached by ClinVar (database versions not stated): gnomAD exomes 0.00001; TOPMed 0.00003.
gnomAD v4.1: 44 of 1,614,106 alleles (0.0027%); highest among the groups gnomAD compares: Non-Finnish European, 0.0035%; no homozygotes.

Submissions (4):

Myriad Genetics, Inc.
Classification: Benign for Rhabdoid tumor predisposition syndrome 2. Last evaluated: 2026-07-10. Review status: criteria provided, single submitter. Criteria: Myriad Autosomal Dominant, Autosomal Recessive and X-Linked Classification Criteria (2023). Collection method: clinical testing. Allele origin: unknown.
Comment: This variant is considered benign. This variant is a silent/synonymous amino acid change and it is not expected to impact splicing.

Labcorp Genetics (formerly Invitae), Labcorp
Classification: Likely benign for Rhabdoid tumor predisposition syndrome 2. Last evaluated: 2026-01-31. Review status: criteria provided, single submitter. Criteria: Invitae Variant Classification Sherloc (09022015). Collection method: clinical testing. Allele origin: germline.

Quest Diagnostics Nichols Institute San Juan Capistrano
Classification: Likely benign. Last evaluated: 2025-05-18. Review status: criteria provided, single submitter. Criteria: Quest Diagnostics criteria. Collection method: clinical testing. Allele origin: unknown.

Ambry Genetics
Classification: Likely benign for Hereditary cancer-predisposing syndrome. Last evaluated: 2015-09-17. Review status: criteria provided, single submitter. Criteria: Ambry Variant Classification Scheme 2023. Collection method: clinical testing. Allele origin: germline.